The following is an entry in ClinVar:

ClinVar aggregate classification (germline): Uncertain significance. Review status: criteria provided, multiple submitters, no conflicts (2 of 4 stars). 7 submissions from 7 submitters: Uncertain significance (5). 2 of the submissions do not count toward it. Last evaluated 2025-08-29.

Conditions:
Cardiovascular phenotype. Identifiers: MedGen CN230736.
Hypertrophic cardiomyopathy 20. Identifiers: MedGen C3151267, MONDO:0013477, OMIM 613876.
Dilated cardiomyopathy 1CC (CMD1CC). Identifiers: Orphanet 154, MedGen C2751084, MONDO:0013147, OMIM 613122.

Allele frequency attached by ClinVar (database versions not stated): ExAC 0.00001; gnomAD 0.00003 and 0.00004; TOPMed 0.00003.
gnomAD v4.1: 35 of 1,612,558 alleles (0.0022%); highest among the groups gnomAD compares: African/African-American, 0.0067%; no homozygotes.

Submissions (7):

Ambry Genetics
Classification: Uncertain significance for Cardiovascular phenotype. Last evaluated: 2025-08-29. Review status: criteria provided, single submitter. Criteria: Ambry Variant Classification Scheme 2023. Collection method: clinical testing. Allele origin: germline.
Comment: The p.I337T variant (also known as c.1010T>C), located in coding exon 8 of the NEXN gene, results from a T to C substitution at nucleotide position 1010. The isoleucine at codon 337 is replaced by threonine, an amino acid with similar properties. This alteration has been reported in a sudden unexplained death cohort (Lin Y et al. Circ Cardiovasc Genet, 2017 Dec;10:). Additionally, this variant was detected in a cardiomyopathy genetic testing cohort; however, clinical details were limited, and additional cardiac variants were detected in some cases (van Lint FHM et al. Neth Heart J, 2019 Jun;27:304-309). This amino acid position is highly conserved in available vertebrate species. In addition, the in silico prediction for this alteration is inconclusive. Since supporting evidence is limited at this time, the clinical significance of this alteration remains unclear.

ARUP Laboratories, Molecular Genetics and Genomics, ARUP Laboratories
Classification: Uncertain significance. Last evaluated: 2025-05-01. Review status: criteria provided, single submitter. Criteria: ARUP Molecular Germline Variant Investigation Process 2024. Collection method: clinical testing. Allele origin: germline.
Comment: The NEXN c.1010T>C; p.Ile337Thr variant (rs749553777, ClinVar Variation ID: 201920) is reported in the literature in at least one individual from a sudden unexplained death cohort (Lin 2017). This variant is found in the general population with an overall allele frequency of 0.002% (5/278,114 alleles) in the Genome Aggregation Database (v2.1.1). Computational analyses are uncertain whether this variant is neutral or deleterious (REVEL: 0.167). Due to limited information, the clinical significance of this variant is uncertain at this time. References: Lin Y et al. Applying High-Resolution Variant Classification to Cardiac Arrhythmogenic Gene Testing in a Demographically Diverse Cohort of Sudden Unexplained Deaths. Circ Cardiovasc Genet. 2017 Dec;10(6):e001839. PMID: 29247119.

Fulgent Genetics
Classification: Uncertain significance for Dilated cardiomyopathy 1CC; Hypertrophic cardiomyopathy 20. Last evaluated: 2022-05-05. Review status: criteria provided, single submitter. Criteria: ACMG Guidelines, 2015. Collection method: clinical testing. Allele origin: unknown.

Labcorp Genetics (formerly Invitae), Labcorp
Classification: Uncertain significance for Dilated cardiomyopathy 1CC; Hypertrophic cardiomyopathy 20. Last evaluated: 2021-11-22. Review status: criteria provided, single submitter. Criteria: Invitae Variant Classification Sherloc (09022015). Collection method: clinical testing. Allele origin: germline.
Comment: In summary, the available evidence is currently insufficient to determine the role of this variant in disease. Therefore, it has been classified as a Variant of Uncertain Significance. Algorithms developed to predict the effect of missense changes on protein structure and function are either unavailable or do not agree on the potential impact of this missense change (SIFT: "Deleterious"; PolyPhen-2: "Benign"; Align-GVGD: "Class C0"). ClinVar contains an entry for this variant (Variation ID: 201920). This missense change has been observed in individual(s) with sudden unexplained death (PMID: 29247119). This variant is present in population databases (rs749553777, gnomAD 0.008%). This sequence change replaces isoleucine, which is neutral and non-polar, with threonine, which is neutral and polar, at codon 337 of the NEXN protein (p.Ile337Thr).

GeneDx
Classification: Uncertain significance. Last evaluated: 2014-06-20. Review status: criteria provided, single submitter. Criteria: GeneDx Variant Classification (06012015). Collection method: clinical testing. Allele origin: germline. Affected: yes.
Comment: p.Ile337Thr (ATA>ACA): c.1010 T>C in exon 9 of the NEXN gene (NM_144573.3). A variant of unknown significance has been identified in the NEXN gene. The I337T variant has not been published as a mutation, nor has it been reported as a benign polymorphism to our knowledge. The I337T variant was not observed in approximately 6,000 individuals of European and African American ancestry in the NHLBI Exome Sequencing Project, indicating it is not a common benign variant in these populations. The I337T variant is a non-conservative amino acid substitution, which is likely to impact secondary protein structure as these residues differ in polarity, charge, size and/or other properties. This substitution occurs at a position that is conserved across species. In silico analysis predicts this variant likely does not alter the protein structure/function. Moreover, no missense mutations in nearby residues have been reported in association with cardiomyopathy, indicating that this region of the protein may be tolerant of change. Therefore, based on the currently available information, it is unclear whether this variant is a pathogenic mutation or a rare benign variant. The variant is found in CARDIOMYOPATHY panel(s).

Clinical Genetics DNA and cytogenetics Diagnostics Lab, Erasmus MC, Erasmus Medical Center
Classification: Uncertain significance. Review status: no assertion criteria provided. Collection method: clinical testing. Allele origin: germline. Affected: yes. Study: VKGL Data-share Consensus. Not counted in ClinVar's aggregate classification.

Clinical Genetics, Academic Medical Center
Classification: Uncertain significance. Review status: no assertion criteria provided. Collection method: clinical testing. Allele origin: germline. Affected: yes. Study: VKGL Data-share Consensus. Not counted in ClinVar's aggregate classification.

Literature cited by the submitters: PubMed 29247119 (cited by Ambry Genetics and Labcorp Genetics (formerly Invitae), Labcorp); PubMed 30847666 (cited by Ambry Genetics).

NM_144573.4(NEXN):c.1010T>C (p.Ile337Thr)

Gene: NEXN (nexilin F-actin binding protein; plus strand). Cytogenetic location: 1p31.1.
Variant type: single nucleotide variant.
Coding change: c.1010T>C on transcript NM_144573.4 (MANE Select); coding-DNA position 1010, T replaced by C.
Protein change: p.Ile337Thr; replaces isoleucine 337 with threonine.
Molecular consequence: missense variant.
Genome position (GRCh38, 1-based): chr1:77,929,461, T>C. VCF-style: chr1-77929461-T-C. GRCh37 (hg19) VCF-style: chr1-78395146-T-C.
Other names: p.I337T:ATA>ACA; c.818T>C, p.Ile273Thr (NM_001172309.2); short protein forms I337T, I273T.
Identifiers: ClinVar variation 201920 (VCV000201920.15), dbSNP rs749553777, ClinGen allele CA335400.